The following is an entry in ClinVar:

ClinVar aggregate classification (germline): Benign/Likely benign. Review status: criteria provided, multiple submitters, no conflicts (2 of 4 stars). 4 submissions from 4 submitters: Benign (2); Likely benign (2). Last evaluated 2026-08-01.

Conditions:
Focal segmental glomerulosclerosis 5 (FSGS5). Identifiers: Orphanet 656, MedGen C2750475, MONDO:0013191, OMIM 613237.

Allele frequency attached by ClinVar (database versions not stated): 1000 Genomes Project 0.00100; 1000 Genomes Project 30x 0.00109; gnomAD exomes 0.00184; gnomAD 0.00287; TOPMed 0.00310.
gnomAD v4.1: 542 of 153,998 alleles (0.35%); highest among the groups gnomAD compares: Middle Eastern, 2.3%; 1 homozygote.

Submissions (4):

CeGaT Center for Human Genetics Tuebingen
Classification: Likely benign. Last evaluated: 2026-08-01. Review status: criteria provided, single submitter. Criteria: CeGaT Center For Human Genetics Tuebingen Variant Classification Criteria Version 2. Collection method: clinical testing. Allele origin: germline. Affected: yes. Observed: 5 variant alleles.
Comment: INF2: BS1

Laboratory of Genetics, Children's Clinical University Hospital Latvia
Classification: Likely benign. Last evaluated: 2025-02-16. Review status: criteria provided, single submitter. Criteria: ACMG Guidelines, 2015. Collection method: clinical testing. Allele origin: germline. Affected: yes.

Illumina Laboratory Services, Illumina
Classification: Benign for Focal segmental glomerulosclerosis 5. Last evaluated: 2018-01-12. Review status: criteria provided, single submitter. Criteria: ICSL Variant Classification Criteria 13 December 2019. Collection method: clinical testing. Allele origin: germline.
Comment: This variant was observed in the ICSL laboratory as part of a predisposition screen in an ostensibly healthy population. It had not been previously curated by ICSL or reported in the Human Gene Mutation Database (HGMD: prior to June 1st, 2018), and was therefore a candidate for classification through an automated scoring system. Utilizing variant allele frequency, disease prevalence and penetrance estimates, and inheritance mode, an automated score was calculated to assess if this variant is too frequent to cause the disease. Based on the score and internal cut-off values, a variant classified as benign is not then subjected to further curation. The score for this variant resulted in a classification of benign for this disease.

Breakthrough Genomics
Classification: Benign. Review status: criteria provided, single submitter. Criteria: ACMG Guidelines, 2015. Collection method: not provided. Allele origin: germline. Inheritance: Autosomal dominant inheritance. Affected: yes.

NM_022489.4(INF2):c.*544G>A

Gene: INF2 (inverted formin 2; plus strand). Cytogenetic location: 14q32.33.
Variant type: single nucleotide variant.
Coding change: c.*544G>A on transcript NM_022489.4 (MANE Select); 544 bases downstream of the stop codon, G replaced by A.
Molecular consequence: 3 prime UTR variant.
Genome position (GRCh38, 1-based): chr14:104,719,337, G>A. VCF-style: chr14-104719337-G-A. GRCh37 (hg19) VCF-style: chr14-105185674-G-A.
Other names: c.*514G>A (NM_001031714.4).
Identifiers: ClinVar variation 312722 (VCV000312722.31), dbSNP rs111978619, ClinGen allele CA10644952.